The following is an entry in ClinVar:

NM_015450.3(POT1):c.1193A>T (p.Asp398Val)

Gene: POT1 (protection of telomeres 1; minus strand). Cytogenetic location: 7q31.33.
Variant type: single nucleotide variant.
Coding change: c.1193A>T on transcript NM_015450.3 (MANE Select); coding-DNA position 1193, A replaced by T.
Protein change: p.Asp398Val; replaces aspartic acid 398 with valine.
Molecular consequence: missense variant. On other transcripts: non-coding transcript variant (3).
Genome position (GRCh38, 1-based): chr7:124,841,149, T>A on the plus strand (A>T on the coding strand, the complement: POT1 is on the minus strand). VCF-style: chr7-124841149-T-A. GRCh37 (hg19) VCF-style: chr7-124481203-T-A.
Other names: c.800A>T, p.Asp267Val (NM_001042594.2); short protein forms D267V, D398V.
Identifiers: ClinVar variation 1437318 (VCV001437318.6), dbSNP rs752802425, ClinGen allele CA369067674.

ClinVar aggregate classification (germline): Uncertain significance (1 of 4 stars; one submission).

Conditions:
Tumor predisposition syndrome 3 (TPDS3). Also called: LONG TELOMERE SYNDROME, POT1-RELATED; POT1 Tumor Predisposition; Glioma susceptibility 9; Melanoma, cutaneous malignant, susceptibility to, 10. Identifiers: Orphanet 618, MedGen C4014476, MONDO:0014368, OMIM 615848.

Submission:

Labcorp Genetics (formerly Invitae), Labcorp
Classification: Uncertain significance for Tumor predisposition syndrome 3. Last evaluated: 2021-11-17. Review status: criteria provided, single submitter. Criteria: Invitae Variant Classification Sherloc (09022015). Collection method: clinical testing. Allele origin: germline.
Comment: This variant has not been reported in the literature in individuals affected with POT1-related conditions. Algorithms developed to predict the effect of missense changes on protein structure and function are either unavailable or do not agree on the potential impact of this missense change (SIFT: "Deleterious"; PolyPhen-2: "Benign"; Align-GVGD: "Class C35"). In summary, the available evidence is currently insufficient to determine the role of this variant in disease. Therefore, it has been classified as a Variant of Uncertain Significance. This sequence change replaces aspartic acid, which is acidic and polar, with valine, which is neutral and non-polar, at codon 398 of the POT1 protein (p.Asp398Val). This variant is not present in population databases (gnomAD no frequency).